The following is an entry in ClinVar:

NM_015158.5(KANK1):c.3245G>A (p.Arg1082Lys)

Gene: KANK1 (KN motif and ankyrin repeat domains 1; plus strand). Cytogenetic location: 9p24.3.
Variant type: single nucleotide variant.
Coding change: c.3245G>A on transcript NM_015158.5 (MANE Select); coding-DNA position 3245, G replaced by A.
Protein change: p.Arg1082Lys; replaces arginine 1082 with lysine.
Molecular consequence: missense variant. On other transcripts: intron variant (6).
Genome position (GRCh38, 1-based): chr9:732,617, G>A. VCF-style: chr9-732617-G-A. GRCh37 (hg19) VCF-style: chr9-732617-G-A.
Other names: NC_000009.11:g.732617G>A; c.3245G>A, p.Arg1082Lys (NM_001256876.3, NM_001256877.3, NM_001354334.2 and 1 more transcripts); c.3191G>A, p.Arg1064Lys (NM_001354332.2); c.2771G>A, p.Arg924Lys (NM_001354333.2, NM_001354335.2, NM_001354337.2 and 2 more transcripts); c.2717G>A, p.Arg906Lys (NM_001354338.2, NM_001354340.2, NM_001354344.2); c.3005+1351G>A (NM_001354331.2); c.2477+1351G>A (NM_001354336.2, NM_001438411.1); c.2531+1351G>A (NM_001354339.2, NM_001354343.2, NM_001354342.2); short protein forms R1082K, R906K, R924K, R1064K.
Identifiers: ClinVar variation 4357244 (VCV004357244.2).

ClinVar aggregate classification (germline): Uncertain significance (1 of 4 stars; one submission).

gnomAD v4.1: 47 of 1,613,176 alleles (0.0029%); highest among the groups gnomAD compares: Non-Finnish European, 0.00059%; no homozygotes.

Submissions (2):

Labcorp Genetics (formerly Invitae), Labcorp
Classification: Uncertain significance. Last evaluated: 2025-05-05. Review status: criteria provided, single submitter. Criteria: Invitae Variant Classification Sherloc (09022015). Collection method: clinical testing. Allele origin: germline.
Comment: This sequence change replaces arginine, which is basic and polar, with lysine, which is basic and polar, at codon 1082 of the KANK1 protein (p.Arg1082Lys). This variant also falls at the last nucleotide of exon 6, which is part of the consensus splice site for this exon. This variant is present in population databases (rs201207109, gnomAD 0.07%), and has an allele count higher than expected for a pathogenic variant. This variant has not been reported in the literature in individuals affected with KANK1-related conditions. An algorithm developed to predict the effect of missense changes on protein structure and function (PolyPhen-2) suggests that this variant is likely to be disruptive. Variants that disrupt the consensus splice site are a relatively common cause of aberrant splicing (PMID: 17576681, 9536098). Algorithms developed to predict the effect of sequence changes on RNA splicing suggest that this variant may disrupt the consensus splice site. In summary, the available evidence is currently insufficient to determine the role of this variant in disease. Therefore, it has been classified as a Variant of Uncertain Significance.

Dr. Peter K. Rogan Lab, Western University
No classification provided (evidence only). Condition: Ovarian serous cystadenocarcinoma. Review status: no classification provided. Collection method: in vitro. Allele origin: not applicable. Functional consequence: retained intron. Not counted in ClinVar's aggregate classification.

Literature cited by the submitters: PubMed 17576681 (cited by Labcorp Genetics (formerly Invitae), Labcorp); PubMed 9536098 (cited by Labcorp Genetics (formerly Invitae), Labcorp).